The following is an entry in ClinVar:

NM_017827.4(SARS2):c.1376G>A (p.Arg459His)

Gene: SARS2 (seryl-tRNA synthetase 2, mitochondrial; minus strand). Cytogenetic location: 19q13.2.
Variant type: single nucleotide variant.
Coding change: c.1376G>A on transcript NM_017827.4 (MANE Select); coding-DNA position 1376, G replaced by A.
Protein change: p.Arg459His; replaces arginine 459 with histidine.
Molecular consequence: missense variant.
Genome position (GRCh38, 1-based): chr19:38,915,878, C>T on the plus strand (G>A on the coding strand, the complement: SARS2 is on the minus strand). VCF-style: chr19-38915878-C-T. GRCh37 (hg19) VCF-style: chr19-39406518-C-T.
Other names: c.1382G>A, p.Arg461His (NM_001145901.2); short protein forms R459H, R461H.
Identifiers: ClinVar variation 423156 (VCV000423156.2), dbSNP rs1064796265, ClinGen allele CA16620844.
Genomic context (GRCh38, chr19:38,915,878, plus strand): 5'-GGGTGGGCCCCTCAGCCCCTCACCTTCTGCTGGTTACTCTCCAGGAGCGCGATGAGAAGG[C>T]GGGGGACAGCACAGGCGGTGGCGTTCACCTGTGAGACAGCCATGCTCGGAACTGGCGCCC-3'
Protein context (NP_060297.1, residues 449-469): TVNATACAVP[Arg459His]LLIALLESNQ

ClinVar aggregate classification (germline): Uncertain significance (1 of 4 stars; one submission).

Allele frequency attached by ClinVar (database versions not stated): gnomAD exomes below 0.00001.
gnomAD v4.1: 2 of 1,613,818 alleles (0.00012%); highest among the groups gnomAD compares: East Asian, 0.0022%; no homozygotes.

Submission:

GeneDx
Classification: Uncertain significance. Last evaluated: 2017-02-07. Review status: criteria provided, single submitter. Criteria: GeneDx Variant Classification (06012015). Collection method: clinical testing. Allele origin: germline. Affected: yes.
Comment: The R459H variant in the SARS2 gene has not been reported previously as a pathogenic variant, nor as a benign variant, to our knowledge. The R459H variant is not observed in large population cohorts (Lek et al., 2016; 1000 Genomes Consortium et al., 2015; Exome Variant Server). The R459H variant is a conservative amino acid substitution, which is not likely to impact secondary protein structure as these residues share similar properties. This substitution occurs at a position that is conserved across species. In silico analysis predicts this variant is probably damaging to the protein structure/function. We interpret R459H as a variant of uncertain significance.